The following is an entry in ClinVar:

ClinVar aggregate classification (germline): Uncertain significance (1 of 4 stars; one submission).

Submission:

Centre of Medical Genetics, University Hospital Muenster
Classification: Uncertain significance. Last evaluated: 2021-12-26. Review status: criteria provided, single submitter. Criteria: ACMG Guidelines, 2015. Collection method: clinical testing. Allele origin: unknown. Affected: yes. Observed: 1 variant allele, 1 heterozygote.
Comment: ACMG categories: PM2,PP4

NM_021629.4(GNB4):c.97-11_97-7del

Gene: GNB4 (G protein subunit beta 4; minus strand). Cytogenetic location: 3q26.33.
Variant type: Deletion.
Coding change: c.97-11_97-7del on transcript NM_021629.4 (MANE Select); 11 bases into the intron before coding-DNA position 97 through 7 bases into the intron before coding-DNA position 97, 5 bases deleted (GCTTT; older notation c.97-11_97-7delGCTTT).
Molecular consequence: intron variant.
Genome position (GRCh38, 1-based): chr3:179,419,512-179,419,516, AAAGC deleted on the plus strand (GCTTT on the coding strand, the reverse complement: GNB4 is on the minus strand); deleting any 5 consecutive bases within chr3:179,419,512-179,419,518 gives the same sequence; the c. name uses the placement nearest the transcript's 3' end. VCF-style (leftmost placement, unchanged base first): chr3-179419511-GAAAGC-G. GRCh37 (hg19) VCF-style: chr3-179137299-GAAAGC-G.
Identifiers: ClinVar variation 1708297 (VCV001708297.3), dbSNP rs2473915952, ClinGen allele CA2580069098.